The following is an entry in ClinVar:

ClinVar aggregate classification (germline): Benign/Likely benign. Review status: criteria provided, multiple submitters, no conflicts (2 of 4 stars). 3 submissions from 3 submitters: Benign (1); Likely benign (1). 1 of the submissions does not count toward it. Last evaluated 2025-11-27.

Conditions:
PRMT7-related disorder. Also called: PRMT7-related condition.

Allele frequency attached by ClinVar (database versions not stated): gnomAD 0.00021 and 0.00029; TOPMed 0.00045; 1000 Genomes Project 0.00140; 1000 Genomes Project 30x 0.00141.
gnomAD v4.1: 393 of 1,605,138 alleles (0.024%); highest among the groups gnomAD compares: East Asian, 0.73%; no homozygotes.

Submissions (3):

Labcorp Genetics (formerly Invitae), Labcorp
Classification: Benign. Last evaluated: 2025-11-27. Review status: criteria provided, single submitter. Criteria: Invitae Variant Classification Sherloc (09022015). Collection method: clinical testing. Allele origin: germline.

Blueprint Genetics
Classification: Likely benign. Last evaluated: 2024-09-10. Review status: criteria provided, single submitter. Criteria: ACMG Guidelines, 2015. Collection method: clinical testing. Allele origin: germline.

PreventionGenetics, part of Exact Sciences
Classification: Benign for PRMT7-related condition. Last evaluated: 2019-04-10. Review status: no assertion criteria provided. Collection method: clinical testing. Allele origin: germline. Not counted in ClinVar's aggregate classification.
Comment: This variant is classified as benign based on ACMG/AMP sequence variant interpretation guidelines (Richards et al. 2015 PMID: 25741868, with internal and published modifications).

NM_019023.5(PRMT7):c.1788C>T (p.Ala596=)

Gene: PRMT7 (protein arginine methyltransferase 7; plus strand). Cytogenetic location: 16q22.1.
Variant type: single nucleotide variant.
Coding change: c.1788C>T on transcript NM_019023.5 (MANE Select); coding-DNA position 1788, C replaced by T.
Protein change: p.Ala596=; no amino-acid change (alanine 596 retained).
Molecular consequence: synonymous variant. On other transcripts: non-coding transcript variant (12).
Genome position (GRCh38, 1-based): chr16:68,355,860, C>T. VCF-style: chr16-68355860-C-T. GRCh37 (hg19) VCF-style: chr16-68389763-C-T.
Other names: c.1638C>T, p.Ala546= (NM_001184824.4); c.1788C>T, p.Ala596= (NM_001290018.2, NM_001351143.3, NM_001378018.1); c.1791C>T, p.Ala597= (NM_001351144.3); c.1581C>T, p.Ala527= (NM_001378020.1); c.1551C>T, p.Ala517= (NM_001378021.1, NM_001378022.1, NM_001378023.1).
Identifiers: ClinVar variation 749816 (VCV000749816.9), dbSNP rs140260314, ClinGen allele CA8127632.